The following is an entry in ClinVar:

ClinVar aggregate classification (germline): Uncertain significance (1 of 4 stars; one submission).

Conditions:
Imerslund-Grasbeck syndrome. Also called: Megaloblastic anemia due to inborn errors of metabolism; ENTEROCYTE COBALAMIN MALABSORPTION; ENTEROCYTE INTRINSIC FACTOR RECEPTOR, DEFECT OF; Imerslund-Gräsbeck syndrome; PERNICIOUS ANEMIA, JUVENILE, DUE TO SELECTIVE INTESTINAL MALABSORPTION OF VITAMIN B12, WITH PROTEINURIA. Identifiers: Orphanet 35858, MedGen C4551825, MONDO:0009853.

Allele frequency attached by ClinVar (database versions not stated): gnomAD exomes below 0.00001.
gnomAD v4.1: 1 of 1,613,558 alleles (0.000062%); highest among the groups gnomAD compares: Admixed American, 0.0017%; no homozygotes.

Submission:

Labcorp Genetics (formerly Invitae), Labcorp
Classification: Uncertain significance for Imerslund-Grasbeck syndrome. Last evaluated: 2022-01-18. Review status: criteria provided, single submitter. Criteria: Invitae Variant Classification Sherloc (09022015). Collection method: clinical testing. Allele origin: germline.
Comment: In summary, the available evidence is currently insufficient to determine the role of this variant in disease. Therefore, it has been classified as a Variant of Uncertain Significance. Algorithms developed to predict the effect of missense changes on protein structure and function are either unavailable or do not agree on the potential impact of this missense change (SIFT: "Tolerated"; PolyPhen-2: "Possibly Damaging"; Align-GVGD: "Class C0"). This variant has not been reported in the literature in individuals affected with CUBN-related conditions. This variant is present in population databases (no rsID available, gnomAD 0.003%). This sequence change replaces isoleucine, which is neutral and non-polar, with methionine, which is neutral and non-polar, at codon 3392 of the CUBN protein (p.Ile3392Met).

NM_001081.4(CUBN):c.10176T>G (p.Ile3392Met)

Gene: CUBN (cubilin; minus strand). Cytogenetic location: 10p13.
Variant type: single nucleotide variant.
Coding change: c.10176T>G on transcript NM_001081.4 (MANE Select); coding-DNA position 10176, T replaced by G.
Protein change: p.Ile3392Met; replaces isoleucine 3392 with methionine.
Molecular consequence: missense variant.
Genome position (GRCh38, 1-based): chr10:16,836,239, A>C on the plus strand (T>G on the coding strand, the complement: CUBN is on the minus strand). VCF-style: chr10-16836239-A-C. GRCh37 (hg19) VCF-style: chr10-16878238-A-C.
Other names: short protein forms I3392M.
Identifiers: ClinVar variation 2187315 (VCV002187315.4), dbSNP rs1173604687, ClinGen allele CA376121632.